The following is an entry in ClinVar:

ClinVar aggregate classification (germline): Pathogenic. Review status: criteria provided, multiple submitters, no conflicts (2 of 4 stars). 2 submissions from 2 submitters: Pathogenic (2). Last evaluated 2024-02-19.

Conditions:
Johanson-Blizzard syndrome (JBS). Also called: Nasal alar hypoplasia, hypothyroidism, pancreatic achylia and congenital deafness. Identifiers: Orphanet 2315, MedGen C0175692, MONDO:0009479, OMIM 243800.

Allele frequency attached by ClinVar (database versions not stated): TOPMed below 0.00001; gnomAD 0.00001; gnomAD exomes 0.00001; ExAC 0.00002; ESP Exome Variant Server 0.00008.
gnomAD v4.1: 11 of 1,614,044 alleles (0.00068%); highest among the groups gnomAD compares: Non-Finnish European, 0.00093%; no homozygotes.

Submissions (2):

Labcorp Genetics (formerly Invitae), Labcorp
Classification: Pathogenic. Last evaluated: 2024-02-19. Review status: criteria provided, single submitter. Criteria: Invitae Variant Classification Sherloc (09022015). Collection method: clinical testing. Allele origin: germline.
Comment: This sequence change creates a premature translational stop signal (p.Tyr1508*) in the UBR1 gene. It is expected to result in an absent or disrupted protein product. Loss-of-function variants in UBR1 are known to be pathogenic (PMID: 24599544). This variant is present in population databases (rs374049779, gnomAD 0.002%). This premature translational stop signal has been observed in individual(s) with Johanson-Blizzard syndrome (PMID: 29178640). ClinVar contains an entry for this variant (Variation ID: 1323737). Algorithms developed to predict the effect of sequence changes on RNA splicing suggest that this variant may disrupt the consensus splice site. For these reasons, this variant has been classified as Pathogenic.

Revvity Omics, Revvity
Classification: Pathogenic for Johanson-Blizzard syndrome. Last evaluated: 2019-05-21. Review status: criteria provided, single submitter. Criteria: ACMG Guidelines, 2015. Collection method: clinical testing. Allele origin: germline.

Literature cited by the submitters: PubMed 24599544 (cited by Labcorp Genetics (formerly Invitae), Labcorp); PubMed 29178640 (cited by Labcorp Genetics (formerly Invitae), Labcorp).

NM_174916.3(UBR1):c.4524T>A (p.Tyr1508Ter)

Gene: UBR1 (ubiquitin protein ligase E3 component n-recognin 1; minus strand). Cytogenetic location: 15q15.2.
Variant type: single nucleotide variant.
Coding change: c.4524T>A on transcript NM_174916.3 (MANE Select); coding-DNA position 4524, T replaced by A.
Protein change: p.Tyr1508Ter; replaces tyrosine 1508 with a stop codon.
Molecular consequence: nonsense.
Genome position (GRCh38, 1-based): chr15:42,966,220, A>T on the plus strand (T>A on the coding strand, the complement: UBR1 is on the minus strand). VCF-style: chr15-42966220-A-T. GRCh37 (hg19) VCF-style: chr15-43258418-A-T.
Other names: short protein forms Y1508*.
Identifiers: ClinVar variation 1323737 (VCV001323737.7), dbSNP rs374049779, ClinGen allele CA7517857.